The following is an entry in ClinVar:

NM_000321.3(RB1):c.2173G>T (p.Val725Leu)

Gene: RB1 (RB transcriptional corepressor 1; plus strand). Cytogenetic location: 13q14.2.
Variant type: single nucleotide variant.
Coding change: c.2173G>T on transcript NM_000321.3 (MANE Select); coding-DNA position 2173, G replaced by T.
Protein change: p.Val725Leu; replaces valine 725 with leucine.
Molecular consequence: missense variant.
Genome position (GRCh38, 1-based): chr13:48,463,797, G>T. VCF-style: chr13-48463797-G-T. GRCh37 (hg19) VCF-style: chr13-49037933-G-T.
Other names: c.2173G>T, p.Val725Leu (NM_001407165.1); short protein forms V725L.
Identifiers: ClinVar variation 2585723 (VCV002585723.2), dbSNP rs2138342507, ClinGen allele CA388167159.

ClinVar aggregate classification (germline): Uncertain significance (1 of 4 stars; one submission).

Conditions:
Hereditary cancer-predisposing syndrome. Also called: Hereditary neoplastic syndrome; Tumor predisposition; Hereditary Cancer Syndrome; Neoplastic Syndromes, Hereditary. Identifiers: Orphanet 140162, MedGen C0027672, MeSH D009386, MONDO:0015356.

Submission:

Ambry Genetics
Classification: Uncertain significance for Hereditary cancer-predisposing syndrome. Last evaluated: 2023-06-29. Review status: criteria provided, single submitter. Criteria: Ambry Variant Classification Scheme 2023. Collection method: clinical testing. Allele origin: germline.
Comment: The p.V725L variant (also known as c.2173G>T), located in coding exon 21 of the RB1 gene, results from a G to T substitution at nucleotide position 2173. The valine at codon 725 is replaced by leucine, an amino acid with highly similar properties. This amino acid position is conserved. In addition, this alteration is predicted to be deleterious by in silico analysis. Since supporting evidence is limited at this time, the clinical significance of this alteration remains unclear.